The following is an entry in ClinVar:

NM_003467.3(CXCR4):c.951del (p.Thr318fs)

Gene: CXCR4 (C-X-C motif chemokine receptor 4; minus strand). Cytogenetic location: 2q22.1.
Variant type: Deletion.
Coding change: c.951del on transcript NM_003467.3 (MANE Select); coding-DNA position 951, one base deleted (C; older notation c.951delC).
Protein change: p.Thr318fs; shifts the reading frame from threonine 318.
Molecular consequence: frameshift variant.
Genome position (GRCh38, 1-based): chr2:136,114,977, G deleted on the plus strand (C on the coding strand, the reverse complement: CXCR4 is on the minus strand). VCF-style (leftmost placement, unchanged base first): chr2-136114976-TG-T. GRCh37 (hg19) VCF-style: chr2-136872546-TG-T.
Other names: c.1050del, p.Thr351fs (NM_001348059.2); c.906del, p.Thr303fs (NM_001348060.2); c.963del, p.Thr322fs (NM_001008540.2); c.1164del, p.Thr389fs (NM_001348056.2); short protein forms T303fs, T318fs, T322fs, T351fs, T389fs.
Identifiers: ClinVar variation 3902809 (VCV003902809.2).

ClinVar aggregate classification (germline): Pathogenic (1 of 4 stars; one submission).

Conditions:
WHIM syndrome 1 (WHIMS). Identifiers: Orphanet 51636, MedGen C5542296, MONDO:8000006, OMIM 193670.

Submission:

Research Department, X4 Pharmaceuticals (Austria) GmbH
Classification: Pathogenic for WHIM syndrome 1. Last evaluated: 2025-06-03. Review status: criteria provided, single submitter. Criteria: ACMG Guidelines, 2015. Collection method: curation, in vitro. Allele origin: germline, not applicable. Inheritance: Autosomal dominant inheritance. Affected: yes. Observed: 3 variant alleles, 3 heterozygotes. Clinical features observed: Decreased total neutrophil count (HP:0001875), Myelokathexis (HP:0031160), Recurrent infections (HP:0002719), Disseminated cutaneous warts (HP:0032215). Functional consequence: gain_of_function_variant.
Comment: The p.Thr318Profs*3 frameshift variant has been observed in individuals with CXCR4-related conditions (PMID: 36883568). Experimental studies have shown that this variant affects CXCR4 function (PMID: 36089616, PMID: 36883568). This variant is located in a region of the CXCR4 protein where a significant number of CXCR4 nonsense and frameshift mutations have been reported in association with autosomal dominant WHIM syndrome (PMID: 31313072, 32784523, 35947323, 39040098). This variant is not present in population databases (gnomAD no frequency).

Literature cited by the submitters: PubMed 36089616; PubMed 36883568.